The following is an entry in ClinVar:

NM_181882.3(PRX):c.2896C>A (p.Leu966Ile)

Gene: PRX (periaxin; minus strand). Cytogenetic location: 19q13.2.
Variant type: single nucleotide variant.
Coding change: c.2896C>A on transcript NM_181882.3 (MANE Select); coding-DNA position 2896, C replaced by A.
Protein change: p.Leu966Ile; replaces leucine 966 with isoleucine.
Molecular consequence: missense variant. On other transcripts: 3 prime UTR variant (1).
Genome position (GRCh38, 1-based): chr19:40,395,456, G>T on the plus strand (C>A on the coding strand, the complement: PRX is on the minus strand). VCF-style: chr19-40395456-G-T. GRCh37 (hg19) VCF-style: chr19-40901363-G-T.
Other names: c.3181C>A, p.Leu1061Ile (NM_001411127.1); c.*3101C>A (NM_020956.2); short protein forms L1061I, L966I.
Identifiers: ClinVar variation 4992699 (VCV004992699.1).

ClinVar aggregate classification (germline): Uncertain significance (1 of 4 stars; one submission).

Conditions:
PRX-related disorder. Also called: PRX-related condition; PRX-Related Disorders.

gnomAD v4.1: 2 of 1,614,066 alleles (0.00012%); highest among the groups gnomAD compares: Non-Finnish European, 0.000085%; no homozygotes.

Submission:

PreventionGenetics, part of Exact Sciences
Classification: Uncertain significance for PRX-related condition. Last evaluated: 2026-09-15. Review status: criteria provided, single submitter. Criteria: ACMG Guidelines, 2015. Collection method: clinical testing. Allele origin: germline.
Comment: The PRX c.2896C>A variant is predicted to result in the amino acid substitution p.Leu966Ile. To our knowledge, this variant has not been reported in the literature. This variant is absent in a large population database (gnomAD), indicating this variant is rare. At this time, the clinical significance of this variant is uncertain due to the absence of conclusive functional and genetic evidence.